The following is an entry in ClinVar:

ClinVar aggregate classification (germline): Likely benign. Review status: criteria provided, multiple submitters, no conflicts (2 of 4 stars). 3 submissions from 3 submitters: Likely benign (2). 1 of the submissions does not count toward it. Last evaluated 2025-12-08.

Conditions:
NEBL-related disorder. Also called: NEBL-related condition.
Primary dilated cardiomyopathy (DCM). Also called: Dilated Cardiomyopathy. Identifiers: Orphanet 217604, MedGen C0007193, MeSH D002311, MONDO:0005021, HP:0001644. Inheritance: Various modes of inheritance.

Allele frequency attached by ClinVar (database versions not stated): gnomAD exomes 0.00006 and 0.00018; ExAC 0.00026; gnomAD 0.00071 and 0.00074; TOPMed 0.00090; ESP Exome Variant Server 0.00100; 1000 Genomes Project 30x 0.00125; 1000 Genomes Project 0.00140.
gnomAD v4.1: 202 of 1,612,858 alleles (0.013%); highest among the groups gnomAD compares: African/African-American, 0.23%; no homozygotes.

Submissions (4):

Labcorp Genetics (formerly Invitae), Labcorp
Classification: Likely benign for Primary dilated cardiomyopathy. Last evaluated: 2025-12-08. Review status: criteria provided, single submitter. Criteria: Invitae Variant Classification Sherloc (09022015). Collection method: clinical testing. Allele origin: germline.

GeneDx
Classification: Likely benign. Last evaluated: 2021-06-18. Review status: criteria provided, single submitter. Criteria: GeneDx Variant Classification Process June 2021. Collection method: clinical testing. Allele origin: germline. Affected: yes.
Comment: Has not been previously published as pathogenic or benign to our knowledge; Identified in multiple patients referred for cardiac genetic testing at GeneDx; however, most probands harbored additional cardiogenetic variants; Reported in ClinVar (ClinVar Variant ID# 201904; Landrum et al., 2016); In silico analysis, which includes protein predictors and evolutionary conservation, supports a deleterious effect

PreventionGenetics, part of Exact Sciences
Classification: Likely benign for NEBL-related condition. Last evaluated: 2022-07-13. Review status: no assertion criteria provided. Collection method: clinical testing. Allele origin: germline. Not counted in ClinVar's aggregate classification.
Comment: This variant is classified as likely benign based on ACMG/AMP sequence variant interpretation guidelines (Richards et al. 2015 PMID: 25741868, with internal and published modifications).

Dr. Peter K. Rogan Lab, Western University
No classification provided (evidence only). Condition: Lung cancer. Review status: no classification provided. Collection method: in vitro. Allele origin: not applicable. Functional consequence: retained intron. Not counted in ClinVar's aggregate classification.

NM_006393.3(NEBL):c.1838G>A (p.Arg613Gln)

Gene: NEBL (nebulette; minus strand). Cytogenetic location: 10p12.31.
Variant type: single nucleotide variant.
Coding change: c.1838G>A on transcript NM_006393.3 (MANE Select); coding-DNA position 1838, G replaced by A.
Protein change: p.Arg613Gln; replaces arginine 613 with glutamine.
Molecular consequence: missense variant. On other transcripts: intron variant (9).
Genome position (GRCh38, 1-based): chr10:20,826,478, C>T on the plus strand (G>A on the coding strand, the complement: NEBL is on the minus strand). VCF-style: chr10-20826478-C-T. GRCh37 (hg19) VCF-style: chr10-21115407-C-T.
Other names: p.R613Q:CGA>CAA; c.250-13538G>A (NM_001377326.1, NM_001377327.1, NM_001377328.1); c.358-13538G>A (NM_213569.2, NM_001173484.2, NM_001377322.1); c.301-13538G>A (NM_001377324.1); c.292-13538G>A (NM_001377325.1); c.310-13538G>A (NM_001377323.1); short protein forms R613Q.
Identifiers: ClinVar variation 201904 (VCV000201904.17), dbSNP rs151035799, ClinGen allele CA335355.